The following is an entry in ClinVar:

Conditions:
Long QT syndrome 5 (LQT5). Identifiers: Orphanet 101016, Orphanet 768, MedGen C1867904, MONDO:0013372, OMIM 613695.

Submission:

Roden Lab, Vanderbilt University Medical Center
No classification provided (evidence only). Condition: Long QT syndrome 5. Review status: no classification provided. Collection method: in vitro. Allele origin: not applicable. Functional consequence: Effect on ion channel function.
ClinVar note: "not provided" was previously submitted as the classification for the variant. However, the classification appeared to be based only on an observation of functional data so it was converted to no classification on 2025-07-30.

NM_000219.6(KCNE1):c.16A>G (p.Thr6Ala)

Gene: KCNE1 (potassium voltage-gated channel subfamily E regulatory subunit 1; minus strand). Cytogenetic location: 21q22.12.
Variant type: single nucleotide variant.
Coding change: c.16A>G on transcript NM_000219.6 (MANE Select); coding-DNA position 16, A replaced by G.
Protein change: p.Thr6Ala; replaces threonine 6 with alanine.
Molecular consequence: missense variant.
Genome position (GRCh38, 1-based): chr21:34,449,619, T>C on the plus strand (A>G on the coding strand, the complement: KCNE1 is on the minus strand). VCF-style: chr21-34449619-T-C. GRCh37 (hg19) VCF-style: chr21-35821917-T-C.
Other names: c.16A>G, p.Thr6Ala (NM_001127668.4, NM_001127669.4, NM_001127670.4 and 4 more transcripts); short protein forms T6A.
Identifiers: ClinVar variation 3374207 (VCV003374207.2).
Genomic context (GRCh38, chr21:34,449,619, plus strand): 5'-TGCCACCCTGCTGAACTGTCTCCTGCCACAGCTTGGTCAGAAAGGGCGTCACCGCTGTGG[T>C]GTTAGACAGGATCATCCTGGGCATTAAGGTTCCACTGCTGCAGCTCAAACTTCCCAGGCA-3'
Protein context (NP_000210.2, residues 1-16): MILSN[Thr6Ala]TAVTPFLTKL